The following is an entry in ClinVar:

ClinVar aggregate classification (germline): Uncertain significance (1 of 4 stars; one submission).

Conditions:
Autoimmune lymphoproliferative syndrome type 2B. Also called: AUTOIMMUNE LYMPHOPROLIFERATIVE SYNDROME, TYPE IIB. Identifiers: Orphanet 275517, MedGen C1846545, MONDO:0011804, OMIM 607271.

Allele frequency attached by ClinVar (database versions not stated): gnomAD exomes below 0.00001.
gnomAD v4.1: 2 of 1,614,156 alleles (0.00012%); highest among the groups gnomAD compares: Non-Finnish European, 0.00017%; no homozygotes.

Submission:

Labcorp Genetics (formerly Invitae), Labcorp
Classification: Uncertain significance for Autoimmune lymphoproliferative syndrome type 2B. Last evaluated: 2021-11-19. Review status: criteria provided, single submitter. Criteria: Invitae Variant Classification Sherloc (09022015). Collection method: clinical testing. Allele origin: germline.
Comment: In summary, the available evidence is currently insufficient to determine the role of this variant in disease. Therefore, it has been classified as a Variant of Uncertain Significance. Algorithms developed to predict the effect of missense changes on protein structure and function output the following: SIFT: "Tolerated"; PolyPhen-2: "Benign"; Align-GVGD: "Class C0". The valine amino acid residue is found in multiple mammalian species, which suggests that this missense change does not adversely affect protein function. This variant has not been reported in the literature in individuals affected with CASP8-related conditions. This variant is not present in population databases (gnomAD no frequency). This sequence change replaces isoleucine, which is neutral and non-polar, with valine, which is neutral and non-polar, at codon 331 of the CASP8 protein (p.Ile331Val).

NM_001372051.1(CASP8):c.940A>G (p.Ile314Val)

Gene: CASP8 (caspase 8; plus strand). Cytogenetic location: 2q33.1.
Variant type: single nucleotide variant.
Coding change: c.940A>G on transcript NM_001372051.1 (MANE Select); coding-DNA position 940, A replaced by G.
Protein change: p.Ile314Val; replaces isoleucine 314 with valine.
Molecular consequence: missense variant. On other transcripts: non-coding transcript variant (22), intron variant (1).
Genome position (GRCh38, 1-based): chr2:201,284,953, A>G. VCF-style: chr2-201284953-A-G. GRCh37 (hg19) VCF-style: chr2-202149676-A-G.
Other names: c.895A>G, p.Ile299Val (NM_001080124.2, NM_001400658.1, NM_001400659.1 and 5 more transcripts); c.1117A>G, p.Ile373Val (NM_001080125.2); c.991A>G, p.Ile331Val (NM_001228.5); c.1072A>G, p.Ile358Val (NM_001400642.1); c.973A>G, p.Ile325Val (NM_001400645.1); c.940A>G, p.Ile314Val (NM_001400648.1, NM_001400651.1, NM_001400653.1 and 5 more transcripts); c.871A>G, p.Ile291Val (NM_001400664.1); c.865A>G, p.Ile289Val (NM_001400665.1); and 7 more; short protein forms I314V, I331V, I373V, I299V, I100V, I109V, I115V, I211V.
Identifiers: ClinVar variation 1481805 (VCV001481805.6), dbSNP rs2125482048, ClinGen allele CA350299933.